The following is an entry in ClinVar:

NM_001099922.3(ALG13):c.1888T>C (p.Ser630Pro)

Gene: ALG13 (ALG13 UDP-N-acetylglucosaminyltransferase subunit; plus strand). Cytogenetic location: Xq23.
Variant type: single nucleotide variant.
Coding change: c.1888T>C on transcript NM_001099922.3 (MANE Select); coding-DNA position 1888, T replaced by C.
Protein change: p.Ser630Pro; replaces serine 630 with proline.
Molecular consequence: missense variant. On other transcripts: non-coding transcript variant (1).
Genome position (GRCh38, 1-based): chrX:111,726,967, T>C. VCF-style: chrX-111726967-T-C. GRCh37 (hg19) VCF-style: chrX-110970195-T-C.
Other names: c.1576T>C, p.Ser526Pro (NM_001257230.2, NM_001257234.2, NM_001257237.2); c.1654T>C, p.Ser552Pro (NM_001257231.2); c.1888T>C, p.Ser630Pro (NM_001324292.2); c.1402T>C, p.Ser468Pro (NM_001324293.1); short protein forms S552P, S630P, S468P, S526P.
Identifiers: ClinVar variation 1028562 (VCV001028562.1), dbSNP rs1942124594, ClinGen allele CA414252775.

ClinVar aggregate classification (germline): Uncertain significance (1 of 4 stars; one submission).

Conditions:
Developmental and epileptic encephalopathy, 36 (DEE36). Also called: Epileptic encephalopathy, early infantile, 36; Congenital disorder of glycosylation, type Is; ALG13-CDG. Identifiers: Orphanet 324422, MedGen C4317295, MONDO:0010472, OMIM 300884.

Submission:

Baylor Genetics
Classification: Uncertain significance for Developmental and epileptic encephalopathy, 36. Last evaluated: 2020-02-07. Review status: criteria provided, single submitter. Criteria: ACMG Guidelines, 2015. Collection method: clinical testing. Allele origin: unknown. Affected: yes.
Comment: This variant was determined to be of uncertain significance according to ACMG Guidelines, 2015 [PMID:25741868].